The following is an entry in ClinVar:

NM_000535.7(PMS2):c.2585A>G (p.Asn862Ser)

Gene: PMS2 (PMS1 homolog 2, mismatch repair system component; minus strand). Cytogenetic location: 7p22.1.
Variant type: single nucleotide variant.
Coding change: c.2585A>G on transcript NM_000535.7 (MANE Select); coding-DNA position 2585, A replaced by G.
Protein change: p.Asn862Ser; replaces asparagine 862 with serine.
Molecular consequence: missense variant. On other transcripts: non-coding transcript variant (1).
Genome position (GRCh38, 1-based): chr7:5,973,403, T>C on the plus strand (A>G on the coding strand, the complement: PMS2 is on the minus strand). VCF-style: chr7-5973403-T-C. GRCh37 (hg19) VCF-style: chr7-6013034-T-C.
Other names: c.2180A>G, p.Asn727Ser (NM_001322005.2, NM_001322003.2, NM_001322004.2); c.2429A>G, p.Asn810Ser (NM_001322006.2); c.2267A>G, p.Asn756Ser (NM_001322007.2, NM_001322008.2); c.1652A>G, p.Asn551Ser (NM_001322012.2, NM_001322011.2); c.2213A>G, p.Asn738Ser (NM_001322009.2); c.2024A>G, p.Asn675Ser (NM_001322010.2); c.2012A>G, p.Asn671Ser (NM_001322013.2); c.2618A>G, p.Asn873Ser (NM_001322014.2); and 1 more; short protein forms N671S, N738S, N759S, N810S, N675S, N551S, N727S, N756S.
Identifiers: ClinVar variation 1479314 (VCV001479314.8), dbSNP rs2128656594, ClinGen allele CA366734688.
Genomic context (GRCh38, chr7:5,973,403, plus strand): 5'-TCTTTCAAAACATAAAAATCTGCGATAAAACCAATTATTCCATACAGTGACTACGGTCAG[T>C]TCTGAGAAATGACACCCAGGTTGGCGATGTGTCTCATGGTTGGCCTTCCATGGGGACAGT-3'
Protein context (NP_000526.2, residues 852-862): HIANLGVISQ[Asn862Ser]

ClinVar aggregate classification (germline): Uncertain significance (1 of 4 stars; one submission).

Conditions:
Hereditary nonpolyposis colorectal neoplasms. Identifiers: MedGen C0009405, MeSH D003123.

Submission:

Labcorp Genetics (formerly Invitae), Labcorp
Classification: Uncertain significance for Hereditary nonpolyposis colorectal neoplasms. Last evaluated: 2021-04-04. Review status: criteria provided, single submitter. Criteria: Invitae Variant Classification Sherloc (09022015). Collection method: clinical testing. Allele origin: germline.
Comment: The frequency data for this variant in the population databases (ExAC) is considered unreliable due to the presence of homologous sequence, such as pseudogenes or paralogs, in the genome. This sequence change replaces asparagine with serine at codon 862 of the PMS2 protein (p.Asn862Ser). The asparagine residue is weakly conserved and there is a small physicochemical difference between asparagine and serine. This variant has not been reported in the literature in individuals with PMS2-related conditions. In summary, the available evidence is currently insufficient to determine the role of this variant in disease. Therefore, it has been classified as a Variant of Uncertain Significance. Advanced modeling of protein sequence and biophysical properties (such as structural, functional, and spatial information, amino acid conservation, physicochemical variation, residue mobility, and thermodynamic stability) performed at Invitae indicates that this missense variant is not expected to disrupt PMS2 protein function.